The following is an entry in ClinVar:

ClinVar aggregate classification (germline): Uncertain significance. Review status: criteria provided, multiple submitters, no conflicts (2 of 4 stars). 2 submissions from 2 submitters: Uncertain significance (2). Last evaluated 2022-06-26.

Conditions:
Dilated cardiomyopathy 1J (CMD1J). Also called: CARDIOMYOPATHY, DILATED, WITH SENSORINEURAL HEARING LOSS, AUTOSOMAL DOMINANT. Identifiers: Orphanet 217622, MedGen C1854368, MONDO:0011541, OMIM 605362.

Submissions (2):

Labcorp Genetics (formerly Invitae), Labcorp
Classification: Uncertain significance for Dilated cardiomyopathy 1J. Last evaluated: 2022-06-26. Review status: criteria provided, single submitter. Criteria: Invitae Variant Classification Sherloc (09022015). Collection method: clinical testing. Allele origin: germline.
Comment: In summary, the available evidence is currently insufficient to determine the role of this variant in disease. Therefore, it has been classified as a Variant of Uncertain Significance. Algorithms developed to predict the effect of sequence changes on RNA splicing suggest that this variant may disrupt the consensus splice site. Algorithms developed to predict the effect of missense changes on protein structure and function are either unavailable or do not agree on the potential impact of this missense change (SIFT: "Deleterious"; PolyPhen-2: "Benign"; Align-GVGD: "Class C0"). ClinVar contains an entry for this variant (Variation ID: 1329663). This variant has not been reported in the literature in individuals affected with EYA4-related conditions. This variant is not present in population databases (gnomAD no frequency). This sequence change replaces lysine, which is basic and polar, with asparagine, which is neutral and polar, at codon 146 of the EYA4 protein (p.Lys146Asn).

GeneDx
Classification: Uncertain significance. Last evaluated: 2021-06-18. Review status: criteria provided, single submitter. Criteria: GeneDx Variant Classification Process June 2021. Collection method: clinical testing. Allele origin: germline. Affected: yes.
Comment: Not observed at significant frequency in large population cohorts (Lek et al., 2016); In silico analysis supports a deleterious effect on splicing; In silico analysis supports that this missense variant does not alter protein structure/function; Has not been previously published as pathogenic or benign to our knowledge; This variant is associated with the following publications: (PMID: 27535533)

NM_004100.5(EYA4):c.438G>T (p.Lys146Asn)

Gene: EYA4 (EYA transcriptional coactivator and phosphatase 4; plus strand). Cytogenetic location: 6q23.2.
Variant type: single nucleotide variant.
Coding change: c.438G>T on transcript NM_004100.5 (MANE Select); coding-DNA position 438, G replaced by T.
Protein change: p.Lys146Asn; replaces lysine 146 with asparagine.
Molecular consequence: missense variant.
Genome position (GRCh38, 1-based): chr6:133,462,335, G>T. VCF-style: chr6-133462335-G-T. GRCh37 (hg19) VCF-style: chr6-133783473-G-T.
Other names: c.276G>T, p.Lys92Asn (NM_001301012.2, NM_001370459.1); c.438G>T, p.Lys146Asn (NM_001301013.2, NM_172105.4); c.369G>T, p.Lys123Asn (NM_001370458.1, NM_172103.4); short protein forms K123N, K146N, K92N.
Identifiers: ClinVar variation 1329663 (VCV001329663.6), dbSNP rs2128658396, ClinGen allele CA365697367.